The following is an entry in ClinVar:

NM_007294.4(BRCA1):c.166_169del (p.Lys56fs)

Gene: BRCA1 (BRCA1 DNA repair associated; minus strand). Cytogenetic location: 17q21.31.
Variant type: Deletion.
Coding change: c.166_169del on transcript NM_007294.4 (MANE Select); coding-DNA positions 166 to 169, 4 bases deleted (AAAG; older notation c.166_169delAAAG).
Protein change: p.Lys56fs; shifts the reading frame from lysine 56.
Molecular consequence: frameshift variant. On other transcripts: non-coding transcript variant (1).
Genome position (GRCh38, 1-based): chr17:43,106,499-43,106,502, CTTT deleted on the plus strand (AAAG on the coding strand, the reverse complement: BRCA1 is on the minus strand); deleting any 4 consecutive bases within chr17:43,106,499-43,106,505 gives the same sequence; the c. name uses the placement nearest the transcript's 3' end. VCF-style (leftmost placement, unchanged base first): chr17-43106498-CCTTT-C. GRCh37 (hg19) VCF-style: chr17-41258515-CCTTT-C.
Other names: c.-26_-23delAAGA (NM_001407571.1, NM_001407853.1, NM_001407879.1 and 58 more transcripts); c.163_166delAAGA, p.Lys56Glyfs (NM_001407581.1, NM_001407582.1, NM_001407583.1 and 166 more transcripts); c.22_25delAAGA, p.Lys9Glyfs (NM_001407692.1, NM_001407694.1, NM_001407695.1 and 98 more transcripts); c.25_28del, p.Lys9fs (NM_007297.4); c.166_169del, p.Lys56fs (NM_007299.4, NM_007300.4); short protein forms K56fs, K9fs.
Identifiers: ClinVar variation 1068970 (VCV001068970.9), dbSNP rs2154555258, ClinGen allele CA2499224628.

ClinVar aggregate classification (germline): Pathogenic/Likely pathogenic. Review status: criteria provided, multiple submitters, no conflicts (2 of 4 stars). 2 submissions from 2 submitters: Pathogenic (1); Likely pathogenic (1). Last evaluated 2022-11-30.

Conditions:
Breast-ovarian cancer, familial, susceptibility to, 1 (BROVCA1). Also called: OVARIAN CANCER, SUSCEPTIBILITY TO; BRCA1 Hereditary Breast and Ovarian Cancer. Identifiers: Orphanet 145, MedGen C2676676, MONDO:0011450, OMIM 604370. Disease mechanism: loss of function.
Hereditary breast ovarian cancer syndrome. Also called: Hereditary breast and ovarian cancer syndrome (HBOC); Breast and ovarian cancer; Hereditary breast and ovarian cancer syndrome; Hereditary breast and/or ovarian cancer syndrome; Hereditary breast and ovarian cancer; BRCA1- and BRCA2-Associated Hereditary Breast and Ovarian Cancer. Identifiers: Orphanet 145, MedGen C0677776, MeSH D061325, MONDO:0003582. Disease mechanism: loss of function.

Submissions (2):

Baylor Genetics
Classification: Likely pathogenic for Breast-ovarian cancer, familial, susceptibility to, 1. Last evaluated: 2022-11-30. Review status: criteria provided, single submitter. Criteria: ACMG Guidelines, 2015. Collection method: clinical testing. Allele origin: unknown.

Labcorp Genetics (formerly Invitae), Labcorp
Classification: Pathogenic for Hereditary breast ovarian cancer syndrome. Last evaluated: 2020-09-13. Review status: criteria provided, single submitter. Criteria: Invitae Variant Classification Sherloc (09022015). Collection method: clinical testing. Allele origin: germline.
Comment: For these reasons, this variant has been classified as Pathogenic. Loss-of-function variants in BRCA1 are known to be pathogenic (PMID: 20104584). This variant has not been reported in the literature in individuals with BRCA1-related conditions. This variant is not present in population databases (ExAC no frequency). This sequence change creates a premature translational stop signal (p.Lys56Glyfs*12) in the BRCA1 gene. It is expected to result in an absent or disrupted protein product.

Literature cited by the submitters: PubMed 20104584 (cited by Labcorp Genetics (formerly Invitae), Labcorp).